The following is an entry in ClinVar:

NM_001191061.2(SLC25A22):c.94G>C (p.Ala32Pro)

Gene: SLC25A22 (solute carrier family 25 member 22; minus strand). Cytogenetic location: 11p15.5.
Variant type: single nucleotide variant.
Coding change: c.94G>C on transcript NM_001191061.2 (MANE Select); coding-DNA position 94, G replaced by C.
Protein change: p.Ala32Pro; replaces alanine 32 with proline.
Molecular consequence: missense variant.
Genome position (GRCh38, 1-based): chr11:794,828, C>G on the plus strand (G>C on the coding strand, the complement: SLC25A22 is on the minus strand). VCF-style: chr11-794828-C-G. GRCh37 (hg19) VCF-style: chr11-794828-C-G.
Other names: c.94G>C, p.Ala32Pro (NM_001191060.2, NM_024698.6); short protein forms A32P.
Identifiers: ClinVar variation 2585604 (VCV002585604.1), dbSNP rs2495056430, ClinGen allele CA378922116.

ClinVar aggregate classification (germline): Uncertain significance (1 of 4 stars; one submission).

Conditions:
Developmental and epileptic encephalopathy, 3 (DEE3). Also called: Epileptic encephalopathy, early infantile, 3. Identifiers: MedGen C5574665, MONDO:0012245, OMIM 609304.

Submission:

Neuberg Centre For Genomic Medicine, NCGM
Classification: Uncertain significance for Developmental and epileptic encephalopathy, 3. Review status: criteria provided, single submitter. Criteria: ACMG Guidelines, 2015. Collection method: clinical testing. Allele origin: germline. Inheritance: Autosomal recessive inheritance. Affected: yes.
Comment: The missense variant in c.94G>C(p.Ala32Pro) in SLC25A22 gene has not been reported previously as a pathogenic variant nor as a benign variant, to our knowledge. The p.Ala32Pro variant is novel (not in any individuals) in gnomAD Exomes and 1000 Genomes. The amino acid Ala at position 32 is changed to a Pro changing protein sequence and it might alter its composition and physico-chemical properties. The amino acid change p.Ala32Pro in SLC25A22 is predicted as conserved by GERP++ and PhyloP across 100 vertebrates. For these reasons, this variant has been classified as uncertain significance.